The following is an entry in ClinVar:

NM_000091.5(COL4A3):c.3506A>C (p.Lys1169Thr)

Genes: COL4A3 (collagen type IV alpha 3 chain; plus strand), MFF-DT (MFF divergent transcript; minus strand). Cytogenetic location: 2q36.3.
Variant type: single nucleotide variant.
Coding change: c.3506A>C on transcript NM_000091.5 (MANE Select); coding-DNA position 3506, A replaced by C.
Protein change: p.Lys1169Thr; replaces lysine 1169 with threonine.
Molecular consequence: missense variant.
Genome position (GRCh38, 1-based): chr2:227,295,051, A>C. VCF-style: chr2-227295051-A-C. GRCh37 (hg19) VCF-style: chr2-228159767-A-C.
Other names: short protein forms K1169T.
Identifiers: ClinVar variation 4800368 (VCV004800368.1).
Genomic context (GRCh38, chr2:227,295,051, plus strand): 5'-GACCAATGGGTATAAGAGGTGACCAAGGACGTGATGGAATTCCTGGTCCAGCCGGAGAAA[A>C]GGGAGAAACGGGTACAACTTGCTCATTATCTTTGATCCGTTAGTTTTATTTTGGATAGAA-3'
Protein context (NP_000082.2, residues 1159-1179): RDGIPGPAGE[Lys1169Thr]GETGLLRAPP

ClinVar aggregate classification (germline): Uncertain significance (1 of 4 stars; one submission).

Submission:

Labcorp Genetics (formerly Invitae), Labcorp
Classification: Uncertain significance. Last evaluated: 2025-12-01. Review status: criteria provided, single submitter. Criteria: Invitae Variant Classification Sherloc (09022015). Collection method: clinical testing. Allele origin: germline.
Comment: This sequence change replaces lysine, which is basic and polar, with threonine, which is neutral and polar, at codon 1169 of the COL4A3 protein (p.Lys1169Thr). This variant is not present in population databases (gnomAD no frequency). This variant has not been reported in the literature in individuals affected with COL4A3-related conditions. Invitae Evidence Modeling of protein sequence and biophysical properties (such as structural, functional, and spatial information, amino acid conservation, physicochemical variation, residue mobility, and thermodynamic stability) has been performed for this missense variant. However, the output from this modeling did not meet the statistical confidence thresholds required to predict the impact of this variant on COL4A3 protein function. In summary, the available evidence is currently insufficient to determine the role of this variant in disease. Therefore, it has been classified as a Variant of Uncertain Significance.